The following is an entry in ClinVar:

NM_000492.4(CFTR):c.3238A>C (p.Lys1080Gln)

Genes: CFTR (CF transmembrane conductance regulator; plus strand), CFTR-AS2 (CFTR antisense RNA 2; minus strand), LOC111674472 (DNase I hypersensitive sites in introns 16 and 17a of CFTR; plus strand). Cytogenetic location: 7q31.2.
Variant type: single nucleotide variant.
Coding change: c.3238A>C on transcript NM_000492.4 (MANE Select); coding-DNA position 3238, A replaced by C.
Protein change: p.Lys1080Gln; replaces lysine 1080 with glutamine.
Molecular consequence: missense variant.
Genome position (GRCh38, 1-based): chr7:117,611,679, A>C. VCF-style: chr7-117611679-A-C. GRCh37 (hg19) VCF-style: chr7-117251733-A-C.
Other names: short protein forms K1080Q.
Identifiers: ClinVar variation 517253 (VCV000517253.23), dbSNP rs766126240, ClinGen allele CA4451411.

ClinVar aggregate classification (germline): Uncertain significance. Review status: criteria provided, multiple submitters, no conflicts (2 of 4 stars). 9 submissions from 9 submitters: Uncertain significance (7). 2 of the submissions do not count toward it. Last evaluated 2026-02-16.

Conditions:
CFTR-related disorder (CFTR-RD). Also called: CFTR-related disorders; CFTR-related condition. Identifiers: MedGen C5924204, MONDO:7770004.
Cystic fibrosis (CF). Also called: MUCOVISCIDOSIS. Identifiers: Orphanet 586, MedGen C0010674, MONDO:0009061, OMIM 219700. Disease mechanism: loss of function.

Allele frequency attached by ClinVar (database versions not stated): ExAC 0.00001; gnomAD exomes 0.00001; TOPMed 0.00001.
gnomAD v4.1: 12 of 1,613,504 alleles (0.00074%); highest among the groups gnomAD compares: Non-Finnish European, 0.001%; no homozygotes.

Submissions (9):

Women's Health and Genetics/Laboratory Corporation of America, LabCorp
Classification: Uncertain significance. Last evaluated: 2026-02-16. Review status: criteria provided, single submitter. Criteria: LabCorp Variant Classification Summary - May 2015. Collection method: clinical testing. Allele origin: germline.
Comment: Variant summary: CFTR c.3238A>C (p.Lys1080Gln) results in a conservative amino acid change located in the ABC transporter type 1, transmembrane domain (IPR011527) of the encoded protein sequence. Algorithms developed to predict the effect of missense changes on protein structure and function are either unavailable or do not agree on the potential impact of this missense change. The variant allele was found at a frequency of 1.2e-05 in 251086 control chromosomes. c.3238A>C has been observed in two individuals in the litureature affected with Non-Classic Cystic Fibrosis (Kilinc_2020, Lui_2017). These data indicate that the variant may be associated with disease. To our knowledge, no experimental evidence demonstrating an impact on protein function has been reported. The following publications have been ascertained in the context of this evaluation (PMID: 32003094, 28344137). ClinVar contains an entry for this variant (Variation ID: 517253). Based on the evidence outlined above, the variant was classified as VUS-possibly pathogenic.

Ambry Genetics
Classification: Uncertain significance for Cystic fibrosis. Last evaluated: 2025-09-18. Review status: criteria provided, single submitter. Criteria: Ambry Variant Classification Scheme 2023. Collection method: clinical testing. Allele origin: germline.
Comment: The p.K1080Q variant (also known as c.3238A>C), located in coding exon 20 of the CFTR gene, results from an A to C substitution at nucleotide position 3238. The lysine at codon 1080 is replaced by glutamine, an amino acid with similar properties. This amino acid position is highly conserved in available vertebrate species. In addition, the in silico prediction for this alteration is inconclusive. Based on the available evidence, the clinical significance of this variant remains unclear.

Quest Diagnostics Nichols Institute San Juan Capistrano
Classification: Uncertain significance. Last evaluated: 2025-06-27. Review status: criteria provided, single submitter. Criteria: Quest Diagnostics criteria. Collection method: clinical testing. Allele origin: unknown.
Comment: The CFTR c.3238A>C (p.Lys1080Gln) variant has been reported in the published literature in patients with the delta F508 variant, with borderline sweat test results (PMIDs: 32003094 (2020), 28344137 (2017)). The frequency of this variant in the general population (Genome Aggregation Database) is uninformative in the assessment of its pathogenicity. Analysis of this variant using bioinformatics tools for the prediction of the effect of amino acid changes on protein structure and function yielded predictions that this variant is damaging. Based on the available information, we are unable to determine the clinical significance of this variant.

Labcorp Genetics (formerly Invitae), Labcorp
Classification: Uncertain significance for Cystic fibrosis. Last evaluated: 2024-10-18. Review status: criteria provided, single submitter. Criteria: Invitae Variant Classification Sherloc (09022015). Collection method: clinical testing. Allele origin: germline.
Comment: This sequence change replaces lysine, which is basic and polar, with glutamine, which is neutral and polar, at codon 1080 of the CFTR protein (p.Lys1080Gln). This variant is present in population databases (rs766126240, gnomAD 0.002%). This missense change has been observed in individual(s) with clinical features of CFTR-related conditions (PMID: 32003094). ClinVar contains an entry for this variant (Variation ID: 517253). Invitae Evidence Modeling of protein sequence and biophysical properties (such as structural, functional, and spatial information, amino acid conservation, physicochemical variation, residue mobility, and thermodynamic stability) has been performed for this missense variant. However, the output from this modeling did not meet the statistical confidence thresholds required to predict the impact of this variant on CFTR protein function. In summary, the available evidence is currently insufficient to determine the role of this variant in disease. Therefore, it has been classified as a Variant of Uncertain Significance.

Blueprint Genetics
Classification: Uncertain significance. Last evaluated: 2024-09-17. Review status: criteria provided, single submitter. Criteria: ACMG Guidelines, 2015. Collection method: clinical testing. Allele origin: germline.

Genome-Nilou Lab
Classification: Uncertain significance for Cystic fibrosis. Last evaluated: 2021-09-05. Review status: criteria provided, single submitter. Criteria: ACMG Guidelines, 2015. Collection method: clinical testing. Allele origin: germline. Affected: no.

Laboratory for Molecular Medicine, Mass General Brigham Personalized Medicine
Classification: Uncertain significance. Last evaluated: 2018-04-19. Review status: criteria provided, single submitter. Criteria: LMM Criteria. Collection method: clinical testing. Allele origin: germline. Observed: 2 variant alleles.
Comment: The p.Lys1080Gln variant in CFTR has not been previously reported in individuals with pulmonary disease, but has been identified in 3/116974 chromosomes by the Genome Aggregation Database (gnomAD; dbSNP rs7 66126240). Computational prediction tools and conservation analysis do not provi de strong support for or against an impact to the protein. In summary, the clini cal significance of the p.Lys1080Gln variant is uncertain. ACMG/AMP Criteria app lied: PM2.

PreventionGenetics, part of Exact Sciences
Classification: Uncertain significance for CFTR-related condition. Last evaluated: 2024-06-20. Review status: no assertion criteria provided. Collection method: clinical testing. Allele origin: germline. Not counted in ClinVar's aggregate classification.
Comment: The CFTR c.3238A>C variant is predicted to result in the amino acid substitution p.Lys1080Gln. This variant has been reported along with the c.1521_1523del (p.Phe508del) pathogenic variant in two apparently unrelated individuals with CFTR-related disorder (Lui et al. 2017. PubMed ID: 28344137; Kilinc et al. 2020. PubMed ID: 32003094). This variant was also documented in a cohort of individuals with chronic obstructive pulmonary disease (Table S1, Saferali et al. 2022. PubMed ID: 34996830). This variant is reported in 0.0018% of alleles in individuals of European (Non-Finnish) descent in gnomAD. At this time, the clinical significance of this variant is uncertain due to the absence of conclusive functional and genetic evidence.

Natera, Inc.
Classification: Uncertain significance for Cystic Fibrosis. Last evaluated: 2020-09-16. Review status: no assertion criteria provided. Collection method: clinical testing. Allele origin: germline. Not counted in ClinVar's aggregate classification.

Literature cited by the submitters: PubMed 32003094 (cited by 3 submitters); PubMed 28344137 (cited by Women's Health and Genetics/Laboratory Corporation of America, LabCorp and Quest Diagnostics Nichols Institute San Juan Capistrano).